The following is an entry in ClinVar:

ClinVar aggregate classification (germline): Uncertain significance. Review status: criteria provided, multiple submitters, no conflicts (2 of 4 stars). 2 submissions from 2 submitters: Uncertain significance (2). Last evaluated 2025-04-23.

gnomAD v4.1: 86 of 1,613,364 alleles (0.0053%); highest among the groups gnomAD compares: Non-Finnish European, 0.007%; no homozygotes.

Submissions (2):

Labcorp Genetics (formerly Invitae), Labcorp
Classification: Uncertain significance. Last evaluated: 2025-04-23. Review status: criteria provided, single submitter. Criteria: Invitae Variant Classification Sherloc (09022015). Collection method: clinical testing. Allele origin: germline.
Comment: This sequence change replaces lysine, which is basic and polar, with glutamic acid, which is acidic and polar, at codon 205 of the TFAM protein (p.Lys205Glu). This variant is present in population databases (rs779133915, gnomAD 0.008%). This variant has not been reported in the literature in individuals affected with TFAM-related conditions. ClinVar contains an entry for this variant (Variation ID: 3325587). Invitae Evidence Modeling of protein sequence and biophysical properties (such as structural, functional, and spatial information, amino acid conservation, physicochemical variation, residue mobility, and thermodynamic stability) indicates that this missense variant is not expected to disrupt TFAM protein function with a negative predictive value of 80%. In summary, the available evidence is currently insufficient to determine the role of this variant in disease. Therefore, it has been classified as a Variant of Uncertain Significance.

Ambry Genetics
Classification: Uncertain significance. Last evaluated: 2024-04-15. Review status: criteria provided, single submitter. Criteria: Ambry Variant Classification Scheme 2023. Collection method: clinical testing. Allele origin: germline.

NM_003201.3(TFAM):c.613A>G (p.Lys205Glu)

Gene: TFAM (transcription factor A, mitochondrial; plus strand). Cytogenetic location: 10q21.1.
Variant type: single nucleotide variant.
Coding change: c.613A>G on transcript NM_003201.3 (MANE Select); coding-DNA position 613, A replaced by G.
Protein change: p.Lys205Glu; replaces lysine 205 with glutamic acid.
Molecular consequence: missense variant. On other transcripts: non-coding transcript variant (1).
Genome position (GRCh38, 1-based): chr10:58,394,946, A>G. VCF-style: chr10-58394946-A-G. GRCh37 (hg19) VCF-style: chr10-60154706-A-G.
Other names: c.517A>G, p.Lys173Glu (NM_001270782.2); short protein forms K205E, K173E.
Identifiers: ClinVar variation 3325587 (VCV003325587.2).